The following is an entry in ClinVar:

NM_000257.4(MYH7):c.4673T>G (p.Ile1558Ser)

Genes: MHRT (myosin heavy chain associated RNA transcript; plus strand), MYH7 (myosin heavy chain 7; minus strand), LOC126861897 (BRD4-independent group 4 enhancer GRCh37_chr14:23884455-23885654; plus strand). Cytogenetic location: 14q11.2.
Variant type: single nucleotide variant.
Coding change: c.4673T>G on transcript NM_000257.4 (MANE Select); coding-DNA position 4673, T replaced by G.
Protein change: p.Ile1558Ser; replaces isoleucine 1558 with serine.
Molecular consequence: missense variant. On other transcripts: non-coding transcript variant (1).
Genome position (GRCh38, 1-based): chr14:23,416,284, A>C on the plus strand (T>G on the coding strand, the complement: MYH7 is on the minus strand). VCF-style: chr14-23416284-A-C. GRCh37 (hg19) VCF-style: chr14-23885493-A-C.
Other names: short protein forms I1558S.
Identifiers: ClinVar variation 579335 (VCV000579335.11), dbSNP rs200593263, ClinGen allele CA257810745.

ClinVar aggregate classification (germline): Uncertain significance (1 of 4 stars; one submission).

Conditions:
Hypertrophic cardiomyopathy. Also called: HYPERTROPHIC MYOCARDIOPATHY. Identifiers: Orphanet 217569, MedGen C0007194, MeSH D002312, MONDO:0005045, HP:0001639.

Allele frequency attached by ClinVar (database versions not stated): gnomAD exomes below 0.00001; 1000 Genomes Project 30x 0.00016; 1000 Genomes Project 0.00020.
gnomAD v4.1: 2 of 1,612,224 alleles (0.00012%); highest among the groups gnomAD compares: Admixed American, 0.0033%; no homozygotes.

Submission:

Labcorp Genetics (formerly Invitae), Labcorp
Classification: Uncertain significance for Hypertrophic cardiomyopathy. Last evaluated: 2024-05-08. Review status: criteria provided, single submitter. Criteria: Invitae Variant Classification Sherloc (09022015). Collection method: clinical testing. Allele origin: germline.
Comment: This sequence change replaces isoleucine, which is neutral and non-polar, with serine, which is neutral and polar, at codon 1558 of the MYH7 protein (p.Ile1558Ser). This variant is present in population databases (rs200593263, gnomAD 0.007%). This variant has not been reported in the literature in individuals affected with MYH7-related conditions. ClinVar contains an entry for this variant (Variation ID: 579335). Advanced modeling of protein sequence and biophysical properties (such as structural, functional, and spatial information, amino acid conservation, physicochemical variation, residue mobility, and thermodynamic stability) has been performed at Invitae for this missense variant, however the output from this modeling did not meet the statistical confidence thresholds required to predict the impact of this variant on MYH7 protein function. In summary, the available evidence is currently insufficient to determine the role of this variant in disease. Therefore, it has been classified as a Variant of Uncertain Significance.